The following is an entry in ClinVar:

ClinVar aggregate classification (germline): Likely pathogenic (1 of 4 stars; one submission).

Conditions:
Neonatal-onset encephalopathy with rigidity and seizures. Also called: Lethal neonatal spasticity-epileptic encephalopathy syndrome. Identifiers: Orphanet 435845, MedGen C3281029, MONDO:0013784, OMIM 614498.

Submission:

Labcorp Genetics (formerly Invitae), Labcorp
Classification: Likely pathogenic for Neonatal-onset encephalopathy with rigidity and seizures. Last evaluated: 2022-11-15. Review status: criteria provided, single submitter. Criteria: Invitae Variant Classification Sherloc (09022015). Collection method: clinical testing. Allele origin: unknown.
Comment: In summary, the currently available evidence indicates that the variant is pathogenic, but additional data are needed to prove that conclusively. Therefore, this variant has been classified as Likely Pathogenic. This variant has not been reported in the literature in individuals affected with BRAT1-related conditions. This variant results in the deletion of exon 8 and part of exon 9 (c.1016-70_1262delinsCACA) of the BRAT1 gene. It is expected to disrupt RNA splicing. Variants that disrupt the donor or acceptor splice site typically lead to a loss of protein function (PMID: 16199547), and loss-of-function variants in BRAT1 are known to be pathogenic (PMID: 22279524, 25500575).

Literature cited by the submitters: PubMed 16199547; PubMed 22279524; PubMed 25500575.

NC_000007.13:g.(?_2580991)_(2581540_?)del

Gene: BRAT1 (BRCA1 associated ATM activator 1; minus strand). Cytogenetic location: 7p22.3.
Variant type: Deletion.
Identifiers: ClinVar variation 3245802 (VCV003245802.1).